The following is an entry in ClinVar:

ClinVar aggregate classification (germline): Pathogenic (1 of 4 stars; one submission).

Conditions:
Arterial tortuosity syndrome (ATORS). Identifiers: Orphanet 3342, MedGen C1859726, MONDO:0008818, OMIM 208050.

Submission:

Labcorp Genetics (formerly Invitae), Labcorp
Classification: Pathogenic for Arterial tortuosity syndrome. Last evaluated: 2023-12-06. Review status: criteria provided, single submitter. Criteria: Invitae Variant Classification Sherloc (09022015). Collection method: clinical testing. Allele origin: unknown.
Comment: This variant is a gross deletion of the genomic region encompassing exon(s) 2-3 of the SLC2A10 gene. This variant would be expected to be in-frame, preserving the integrity of the reading frame. This variant has not been reported in the literature in individuals affected with SLC2A10-related conditions. This variant disrupts a region of the SLC2A10 protein in which other variant(s) (p.Ser81Arg) have been determined to be pathogenic (PMID: 16550171, 18565096). This suggests that this is a clinically significant region of the protein, and that variants that disrupt it are likely to be disease-causing. For these reasons, this variant has been classified as Pathogenic.

Literature cited by the submitters: PubMed 16550171; PubMed 18565096.

NC_000020.10:g.(?_45353660)_(45355645_?)del

Gene: SLC2A10 (solute carrier family 2 member 10; plus strand). Cytogenetic location: 20q13.12.
Variant type: Deletion.
Identifiers: ClinVar variation 3248277 (VCV003248277.1).